The following is an entry in ClinVar:

NM_001277313.2(FMN1):c.1868-30346G>T

Gene: FMN1 (formin 1; minus strand). Cytogenetic location: 15q13.3.
Variant type: single nucleotide variant.
Coding change: c.1868-30346G>T on transcript NM_001277313.2 (MANE Select); 30346 bases into the intron before coding-DNA position 1868, G replaced by T.
Molecular consequence: intron variant.
Genome position (GRCh38, 1-based): chr15:33,119,320, C>A on the plus strand (G>T on the coding strand, the complement: FMN1 is on the minus strand). VCF-style: chr15-33119320-C-A. GRCh37 (hg19) VCF-style: chr15-33411521-C-A.
Identifiers: ClinVar variation 2645133 (VCV002645133.24), dbSNP rs151241595, ClinGen allele CA268780089.

ClinVar aggregate classification (germline): Likely benign (1 of 4 stars; one submission).

Allele frequency attached by ClinVar (database versions not stated): 1000 Genomes Project 30x 0.00156; 1000 Genomes Project 0.00180; TOPMed 0.00243.
gnomAD v4.1: 453 of 152,262 alleles (0.3%); highest among the groups gnomAD compares: South Asian, 0.64%; 3 homozygotes.

Submission:

CeGaT Center for Human Genetics Tuebingen
Classification: Likely benign. Last evaluated: 2023-09-01. Review status: criteria provided, single submitter. Criteria: CeGaT Center For Human Genetics Tuebingen Variant Classification Criteria Version 2. Collection method: clinical testing. Allele origin: germline. Affected: yes. Observed: 2 variant alleles.
Comment: FMN1: BS2